The following is an entry in ClinVar:

ClinVar aggregate classification (germline): Conflicting classifications of pathogenicity. Review status: criteria provided, conflicting classifications (1 of 4 stars). 3 submissions from 3 submitters: Likely pathogenic (1); Uncertain significance (2). Last evaluated 2024-03-29.

Conditions:
Congenital bile acid synthesis defect 1 (CBAS1). Also called: 3-BETA-HYDROXY-DELTA-5-C27-STEROID OXIDOREDUCTASE DEFICIENCY. Identifiers: Orphanet 79301, MedGen C1843116, MONDO:0011906, OMIM 607765.

Allele frequency attached by ClinVar (database versions not stated): gnomAD exomes below 0.00001.

Submissions (3):

Genomic Medicine Center of Excellence, King Faisal Specialist Hospital and Research Centre
Classification: Uncertain significance for Congenital bile acid synthesis defect 1. Last evaluated: 2024-03-29. Review status: criteria provided, single submitter. Criteria: ACMG Guidelines, 2015. Collection method: clinical testing. Allele origin: germline.

Rady Children's Institute for Genomic Medicine, Rady Children's Hospital San Diego
Classification: Likely pathogenic for BILE ACID SYNTHESIS DEFECT, CONGENITAL, 1. Last evaluated: 2024-01-04. Review status: criteria provided, single submitter. Criteria: ACMG Guidelines, 2015. Collection method: clinical testing. Allele origin: germline. Affected: yes.
Comment: The c.586G>A (p.Gly196Ser) variant affects a highly conserved amino acid and is predicted by multiple in silico tools to have a deleterious effect on protein function. This variant has been previously reported as a compound heterozygous change in patient with bile acid synthesis defect and a heterozygous in change in a patient with autism spectrum disorder (PMID: 34627351, 35982160). The c.586G>A (p.Gly196Ser) variant is located in the NAD-binding domain, which is a known hotspot domain for pathogenic variations associated with bile acid synthesis defect (PMID: 11067870). Different amino acid changes at the same residue (p.Gly196Arg) have been previously reported in individuals with bile acid synthesis defect (PMID: 36750304). The c.586G>A (p.Gly196Ser) variant is present in the heterozygous state in the gnomAD v4.0 population database at a frequency of 0.0005% (7/1461570), and is absent in the homozygous state, thus is presumed to be rare. Based on the available evidence, c.586G>A (p.Gly196Ser) is classified as Likely Pathogenic.

Eurofins Ntd Llc (ga)
Classification: Uncertain significance. Last evaluated: 2016-08-11. Review status: criteria provided, single submitter. Criteria: EGL Classification Definitions 2015. Collection method: clinical testing. Allele origin: germline. Observed: 1 variant allele, 1 homozygote.

NM_025193.4(HSD3B7):c.586G>A (p.Gly196Ser)

Gene: HSD3B7 (hydroxy-delta-5-steroid dehydrogenase, 3 beta- and steroid delta-isomerase 7; plus strand). Cytogenetic location: 16p11.2.
Variant type: single nucleotide variant.
Coding change: c.586G>A on transcript NM_025193.4 (MANE Select); coding-DNA position 586, G replaced by A.
Protein change: p.Gly196Ser; replaces glycine 196 with serine.
Molecular consequence: missense variant. On other transcripts: intron variant (2).
Genome position (GRCh38, 1-based): chr16:30,986,894, G>A. VCF-style: chr16-30986894-G-A. GRCh37 (hg19) VCF-style: chr16-30998215-G-A.
Other names: c.531+190G>A (NM_001142777.2, NM_001142778.2); c.586G>A (NM_025193.3); short protein forms G196S.
Identifiers: ClinVar variation 290373 (VCV000290373.7), dbSNP rs886044435, ClinGen allele CA10606754.
Genomic context (GRCh38, chr16:30,986,894, plus strand): 5'-CACCAGGTCCGTGGGGGGCTGCCCCTGGTGACGTGTGCCCTTCGTCCCACGGGCATCTAC[G>A]GTGAAGGCCACCAGATCATGAGGGACTTCTACCGCCAGGGCCTGCGCCTGGGAGGTTGGC-3'
Protein context (NP_079469.2, residues 186-206): TCALRPTGIY[Gly196Ser]EGHQIMRDFY